The following is an entry in ClinVar:

ClinVar aggregate classification (germline): Pathogenic (1 of 4 stars; one submission).

Submission:

Labcorp Genetics (formerly Invitae), Labcorp
Classification: Pathogenic. Last evaluated: 2022-06-26. Review status: criteria provided, single submitter. Criteria: Invitae Variant Classification Sherloc (09022015). Collection method: clinical testing. Allele origin: germline.
Comment: For these reasons, this variant has been classified as Pathogenic. Algorithms developed to predict the effect of sequence changes on RNA splicing suggest that this variant may create or strengthen a splice site. This variant has not been reported in the literature in individuals affected with TYR-related conditions. This variant is not present in population databases (gnomAD no frequency). This sequence change creates a premature translational stop signal (p.Ala381Serfs*7) in the TYR gene. It is expected to result in an absent or disrupted protein product. Loss-of-function variants in TYR are known to be pathogenic (PMID: 23504663).

Literature cited by the submitters: PubMed 23504663.

NM_000372.5(TYR):c.1141_1160del (p.Ala381fs)

Gene: TYR (tyrosinase; plus strand). Cytogenetic location: 11q14.3.
Variant type: Deletion.
Coding change: c.1141_1160del on transcript NM_000372.5 (MANE Select); coding-DNA positions 1141 to 1160, 20 bases deleted (GCCAACGATCCTATCTTCCT).
Protein change: p.Ala381fs; shifts the reading frame from alanine 381.
Molecular consequence: frameshift variant.
Genome position (GRCh38, 1-based): chr11:89,227,927-89,227,946, GCCAACGATCCTATCTTCCT deleted; deleting any 20 consecutive bases within chr11:89,227,925-89,227,946 gives the same sequence; the c. name uses the placement nearest the transcript's 3' end. VCF-style (leftmost placement, unchanged base first): chr11-89227924-TCTGCCAACGATCCTATCTTC-T. GRCh37 (hg19) VCF-style: chr11-88961092-TCTGCCAACGATCCTATCTTC-T.
Other names: short protein forms A381fs.
Identifiers: ClinVar variation 2119989 (VCV002119989.4), dbSNP rs2496618830, ClinGen allele CA2580085014.